The following is an entry in ClinVar:

ClinVar aggregate classification (germline): Likely benign (0 of 4 stars; one submission).

Conditions:
CHAMP1-related disorder. Also called: CHAMP1-related condition.

Allele frequency attached by ClinVar (database versions not stated): gnomAD 0.00006; ExAC 0.00007; gnomAD exomes 0.00002; TOPMed 0.00002; 1000 Genomes Project 30x 0.00031; 1000 Genomes Project 0.00040.
gnomAD v4.1: 52 of 1,613,048 alleles (0.0032%); highest among the groups gnomAD compares: East Asian, 0.062%; no homozygotes.

Submission:

PreventionGenetics, part of Exact Sciences
Classification: Likely benign for CHAMP1-related condition. Last evaluated: 2023-06-08. Review status: no assertion criteria provided. Collection method: clinical testing. Allele origin: germline.
Comment: This variant is classified as likely benign based on ACMG/AMP sequence variant interpretation guidelines (Richards et al. 2015 PMID: 25741868, with internal and published modifications).

NM_032436.4(CHAMP1):c.820A>G (p.Thr274Ala)

Gene: CHAMP1 (chromosome alignment maintaining phosphoprotein 1; plus strand). Cytogenetic location: 13q34.
Variant type: single nucleotide variant.
Coding change: c.820A>G on transcript NM_032436.4 (MANE Select); coding-DNA position 820, A replaced by G.
Protein change: p.Thr274Ala; replaces threonine 274 with alanine.
Molecular consequence: missense variant.
Genome position (GRCh38, 1-based): chr13:114,324,662, A>G. VCF-style: chr13-114324662-A-G. GRCh37 (hg19) VCF-style: chr13-115090137-A-G.
Other names: c.820A>G, p.Thr274Ala (NM_001164144.3, NM_001164145.3); short protein forms T274A.
Identifiers: ClinVar variation 3054749 (VCV003054749.2), dbSNP rs370907860, ClinGen allele CA7070697.
Genomic context (GRCh38, chr13:114,324,662, plus strand): 5'-CCAGAACCTTGGGGACCATCCCCAGCTGCATCTCCAGAATCTCGGAAGTCAGCCCGGACT[A>G]CCTCCCCTGAGCCAAGGAAGCCATCCCCTTCAGAGTCTCCTGAACCTTGGAAGCCGTTCC-3'
Protein context (NP_115812.1, residues 264-284): SPESRKSART[Thr274Ala]SPEPRKPSPS